The following is an entry in ClinVar:

NM_001042492.3(NF1):c.5610-1G>C

Gene: NF1 (neurofibromin 1; plus strand). Cytogenetic location: 17q11.2.
Variant type: single nucleotide variant.
Coding change: c.5610-1G>C on transcript NM_001042492.3 (MANE Select); the canonical splice acceptor site of the intron before coding-DNA position 5610, G replaced by C.
Molecular consequence: splice acceptor variant.
Genome position (GRCh38, 1-based): chr17:31,330,295, G>C. VCF-style: chr17-31330295-G-C. GRCh37 (hg19) VCF-style: chr17-29657313-G-C.
Other names: c.5547-1G>C (NM_000267.4).
Identifiers: ClinVar variation 561746 (VCV000561746.18), dbSNP rs1567613569, ClinGen allele CA399010088.
Genomic context (GRCh38, chr17:31,330,295, plus strand): 5'-AAATTTTGGAACTATAAGGAAAAATACGTTTTAAAACAACTTCATTTGTGTTTTCTCCTA[G>C]GTCAGCTGCCTATAATCTTCTGTGTGCCTTAACTTGTACCTTTAATTTAAAAATCGAGGG-3'

ClinVar aggregate classification (germline): Pathogenic. Review status: criteria provided, multiple submitters, no conflicts (2 of 4 stars). 4 submissions from 4 submitters: Pathogenic (4). Last evaluated 2025-02-10.

Conditions:
Hereditary cancer-predisposing syndrome. Also called: Neoplastic Syndromes, Hereditary; Tumor predisposition; Hereditary Cancer Syndrome; Hereditary neoplastic syndrome. Identifiers: Orphanet 140162, MedGen C0027672, MeSH D009386, MONDO:0015356.
Cardiovascular phenotype. Identifiers: MedGen CN230736.
Neurofibromatosis, type 1 (NF1). Also called: VON RECKLINGHAUSEN DISEASE; NEUROFIBROMATOSIS, TYPE I, SOMATIC; Peripheral type neurofibromatosis; Neurofibromatosis, type I. Identifiers: Orphanet 636, MedGen C0027831, MONDO:0018975, OMIM 162200. Disease mechanism: loss of function.

Submissions (4):

Labcorp Genetics (formerly Invitae), Labcorp
Classification: Pathogenic for Neurofibromatosis, type 1. Last evaluated: 2025-02-10. Review status: criteria provided, single submitter. Criteria: Invitae Variant Classification Sherloc (09022015). Collection method: clinical testing. Allele origin: germline.
Comment: This sequence change affects an acceptor splice site in intron 37 of the NF1 gene. It is expected to disrupt RNA splicing. Variants that disrupt the donor or acceptor splice site typically lead to a loss of protein function (PMID: 16199547), and loss-of-function variants in NF1 are known to be pathogenic (PMID: 10712197, 23913538). This variant is not present in population databases (gnomAD no frequency). Disruption of this splice site has been observed in individuals with neurofibromatosis type 1 (PMID: 26969325, 29290338). ClinVar contains an entry for this variant (Variation ID: 561746). Algorithms developed to predict the effect of sequence changes on RNA splicing suggest that this variant may disrupt the consensus splice site. For these reasons, this variant has been classified as Pathogenic.

GeneDx
Classification: Pathogenic. Last evaluated: 2024-12-09. Review status: criteria provided, single submitter. Criteria: GeneDx Variant Classification Process June 2021. Collection method: clinical testing. Allele origin: germline. Affected: yes.
Comment: Canonical splice site variant predicted to result in a null allele in a gene for which loss of function is a known mechanism of disease; Not observed at significant frequency in large population cohorts (gnomAD); Has not been previously published as pathogenic or benign to our knowledge

Genome-Nilou Lab
Classification: Pathogenic for Neurofibromatosis, type 1. Last evaluated: 2022-03-15. Review status: criteria provided, single submitter. Criteria: ACMG Guidelines, 2015. Collection method: clinical testing. Allele origin: germline. Affected: no.

Ambry Genetics
Classification: Pathogenic for Cardiovascular phenotype; Hereditary cancer-predisposing syndrome. Last evaluated: 2019-08-02. Review status: criteria provided, single submitter. Criteria: Ambry Variant Classification Scheme 2023. Collection method: clinical testing. Allele origin: germline.
Comment: The c.5547-1G>C intronic pathogenic mutation results from a G to C substitution one nucleotide upstream from coding exon 38 of the NF1 gene. This mutation has been identified in multiple individuals meeting clinical diagnostic criteria for NF1 (Ambry internal data). In addition, alterations that disrupt the canonical splice site are expected to cause aberrant splicing, resulting in an abnormal protein or a transcript that is subject to nonsense-mediated mRNA decay. As such, this alteration is interpreted as a disease-causing mutation.

Literature cited by the submitters: PubMed 16199547 (cited by Labcorp Genetics (formerly Invitae), Labcorp); PubMed 10712197 (cited by Labcorp Genetics (formerly Invitae), Labcorp); PubMed 23913538 (cited by Labcorp Genetics (formerly Invitae), Labcorp); PubMed 26969325 (cited by Labcorp Genetics (formerly Invitae), Labcorp); PubMed 29290338 (cited by Labcorp Genetics (formerly Invitae), Labcorp).